The following is an entry in ClinVar:

ClinVar aggregate classification (germline): Likely pathogenic (1 of 4 stars; one submission).

Submission:

Labcorp Genetics (formerly Invitae), Labcorp
Classification: Likely pathogenic. Last evaluated: 2021-09-15. Review status: criteria provided, single submitter. Criteria: Invitae Variant Classification Sherloc (09022015). Collection method: clinical testing. Allele origin: germline.
Comment: This sequence change affects an acceptor splice site in intron 3 of the TREM2 gene. It is expected to disrupt RNA splicing. Variants that disrupt the donor or acceptor splice site typically lead to a loss of protein function (PMID: 16199547), and loss-of-function variants in TREM2 are known to be pathogenic (PMID: 12080485, 12754369, 12883936, 12925681, 23318515, 23582655). This variant is not present in population databases (ExAC no frequency). This variant has not been reported in the literature in individuals affected with TREM2-related conditions. Algorithms developed to predict the effect of sequence changes on RNA splicing suggest that this variant may disrupt the consensus splice site. In summary, the currently available evidence indicates that the variant is pathogenic, but additional data are needed to prove that conclusively. Therefore, this variant has been classified as Likely Pathogenic.

Literature cited by the submitters: PubMed 16199547; PubMed 12080485; PubMed 12754369; PubMed 12883936; PubMed 12925681; PubMed 23318515; PubMed 23582655.

NM_018965.4(TREM2):c.483-1G>A

Gene: TREM2 (triggering receptor expressed on myeloid cells 2; minus strand). Cytogenetic location: 6p21.1.
Variant type: single nucleotide variant.
Coding change: c.483-1G>A on transcript NM_018965.4 (MANE Select); the canonical splice acceptor site of the intron before coding-DNA position 483, G replaced by A.
Molecular consequence: splice acceptor variant. On other transcripts: intron variant (1).
Genome position (GRCh38, 1-based): chr6:41,159,067, C>T on the plus strand (G>A on the coding strand, the complement: TREM2 is on the minus strand). VCF-style: chr6-41159067-C-T. GRCh37 (hg19) VCF-style: chr6-41126805-C-T.
Other names: c.483-287G>A (NM_001271821.2).
Identifiers: ClinVar variation 1498893 (VCV001498893.6), dbSNP rs2113877345, ClinGen allele CA364057913.